The following is an entry in ClinVar:

NM_001184.4(ATR):c.1318C>G (p.Pro440Ala)

Gene: ATR (ATR serine/threonine kinase; minus strand). Cytogenetic location: 3q23.
Variant type: single nucleotide variant.
Coding change: c.1318C>G on transcript NM_001184.4 (MANE Select); coding-DNA position 1318, C replaced by G.
Protein change: p.Pro440Ala; replaces proline 440 with alanine.
Molecular consequence: missense variant.
Genome position (GRCh38, 1-based): chr3:142,561,274, G>C on the plus strand (C>G on the coding strand, the complement: ATR is on the minus strand). VCF-style: chr3-142561274-G-C. GRCh37 (hg19) VCF-style: chr3-142280116-G-C.
Other names: c.1318C>G, p.Pro440Ala (NM_001354579.2); short protein forms P440A.
Identifiers: ClinVar variation 3331054 (VCV003331054.1).

ClinVar aggregate classification (germline): Uncertain significance (1 of 4 stars; one submission).

Conditions:
Inborn genetic diseases. Identifiers: MedGen C0950123, MeSH D030342.

gnomAD v4.1: 18 of 1,614,010 alleles (0.0011%); highest among the groups gnomAD compares: Non-Finnish European, 0.0015%; no homozygotes.

Submission:

Ambry Genetics
Classification: Uncertain significance for Inborn genetic diseases. Last evaluated: 2024-04-13. Review status: criteria provided, single submitter. Criteria: Ambry Variant Classification Scheme 2023. Collection method: clinical testing. Allele origin: germline.
Comment: The p.P440A variant (also known as c.1318C>G), located in coding exon 5 of the ATR gene, results from a C to G substitution at nucleotide position 1318. The proline at codon 440 is replaced by alanine, an amino acid with highly similar properties. This amino acid position is conserved. In addition, this alteration is predicted to be tolerated by in silico analysis. Based on the available evidence, the clinical significance of this variant remains unclear.